The following is an entry in ClinVar:

NM_031935.3(HMCN1):c.4993G>C (p.Ala1665Pro)

Gene: HMCN1 (hemicentin 1; plus strand). Cytogenetic location: 1q31.1.
Variant type: single nucleotide variant.
Coding change: c.4993G>C on transcript NM_031935.3 (MANE Select); coding-DNA position 4993, G replaced by C.
Protein change: p.Ala1665Pro; replaces alanine 1665 with proline.
Molecular consequence: missense variant.
Genome position (GRCh38, 1-based): chr1:186,016,041, G>C. VCF-style: chr1-186016041-G-C. GRCh37 (hg19) VCF-style: chr1-185985173-G-C.
Other names: short protein forms A1665P.
Identifiers: ClinVar variation 788289 (VCV000788289.18), dbSNP rs148365191, ClinGen allele CA1292154.

ClinVar aggregate classification (germline): Benign/Likely benign. Review status: criteria provided, multiple submitters, no conflicts (2 of 4 stars). 4 submissions from 4 submitters: Benign (3); Likely benign (1). Last evaluated 2026-01-12.

Conditions:
HMCN1-related disorder. Also called: HMCN1-related condition.

Allele frequency attached by ClinVar (database versions not stated): gnomAD 0.00019; 1000 Genomes Project 30x 0.00078; 1000 Genomes Project 0.00080; TOPMed 0.00080; ExAC 0.00143.
gnomAD v4.1: 593 of 1,613,496 alleles (0.037%); highest among the groups gnomAD compares: Admixed American, 0.98%; 5 homozygotes.

Submissions (4):

Labcorp Genetics (formerly Invitae), Labcorp
Classification: Benign. Last evaluated: 2026-01-12. Review status: criteria provided, single submitter. Criteria: Invitae Variant Classification Sherloc (09022015). Collection method: clinical testing. Allele origin: germline.

CeGaT Center for Human Genetics Tuebingen
Classification: Likely benign. Last evaluated: 2025-11-01. Review status: criteria provided, single submitter. Criteria: CeGaT Center For Human Genetics Tuebingen Variant Classification Criteria Version 2. Collection method: clinical testing. Allele origin: germline. Affected: yes. Observed: 1 variant allele.
Comment: HMCN1: BP4

PreventionGenetics, part of Exact Sciences
Classification: Benign for HMCN1-related condition. Last evaluated: 2025-10-05. Review status: criteria provided, single submitter. Criteria: ACMG Guidelines, 2015. Collection method: clinical testing. Allele origin: germline.
Comment: This variant is classified as benign based on ACMG/AMP sequence variant interpretation guidelines (Richards et al. 2015 PMID: 25741868, with internal and published modifications).

Breakthrough Genomics
Classification: Benign. Review status: criteria provided, single submitter. Criteria: ACMG Guidelines, 2015. Collection method: not provided. Allele origin: germline. Inheritance: Autosomal dominant inheritance. Affected: yes.